The following is an entry in ClinVar:

ClinVar aggregate classification (germline): Pathogenic. Review status: criteria provided, single submitter (1 of 4 stars). 2 submissions from 2 submitters: Pathogenic (1). 1 of the submissions does not count toward it. Last evaluated 2019-06-24.

Conditions:
Distal spinal muscular atrophy. Also called: Distal hereditary motor neuropathy; Distal hereditary motor neuronopathy. Identifiers: Orphanet 53739, MedGen C0393541, MONDO:0018894.
Charcot-Marie-Tooth disease axonal type 2S. Also called: CHARCOT-MARIE-TOOTH NEUROPATHY, TYPE 2S; CHARCOT-MARIE-TOOTH DISEASE, AXONAL, AUTOSOMAL RECESSIVE, TYPE 2S. Identifiers: Orphanet 443073, MedGen C4015349, MONDO:0014511, OMIM 616155.
Autosomal recessive distal spinal muscular atrophy 1. Also called: HMN VI; NEURONOPATHY, SEVERE INFANTILE AXONAL, WITH RESPIRATORY FAILURE; Spinal muscular atrophy with respiratory distress 1; NEURONOPATHY, DISTAL HEREDITARY MOTOR, HARDING TYPE VI; NEUROPATHY, DISTAL HEREDITARY MOTOR, AUTOSOMAL RECESSIVE 1; SEVERE INFANTILE AXONAL NEUROPATHY WITH RESPIRATORY FAILURE. Identifiers: Orphanet 98920, MedGen C1858517, MONDO:0011436, OMIM 604320.

Allele frequency attached by ClinVar (database versions not stated): gnomAD exomes below 0.00001; gnomAD 0.00001.

Submissions (2):

Labcorp Genetics (formerly Invitae), Labcorp
Classification: Pathogenic for Autosomal recessive distal spinal muscular atrophy 1; Charcot-Marie-Tooth disease axonal type 2S. Last evaluated: 2019-06-24. Review status: criteria provided, single submitter. Criteria: Invitae Variant Classification Sherloc (09022015). Collection method: clinical testing. Allele origin: germline.
Comment: For these reasons, this variant has been classified as Pathogenic. Loss-of-function variants in IGHMBP2 are known to be pathogenic (PMID: 14681881, 25439726, 25568292). This variant has been observed in combination with another IGHMBP2 variant in an individual affected with spinal muscular atrophy with respiratory distress (PMID: 17431882). This variant is not present in population databases (ExAC no frequency). This sequence change creates a premature translational stop signal (p.Gln55*) in the IGHMBP2 gene. It is expected to result in an absent or disrupted protein product.

Inherited Neuropathy Consortium
Classification: Uncertain significance for Distal spinal muscular atrophy. Review status: no assertion criteria provided. Collection method: literature only. Allele origin: germline. Affected: yes. Not counted in ClinVar's aggregate classification.

Literature cited by the submitters: PubMed 14681881 (cited by Labcorp Genetics (formerly Invitae), Labcorp); PubMed 25439726 (cited by Labcorp Genetics (formerly Invitae), Labcorp); PubMed 25568292 (cited by Labcorp Genetics (formerly Invitae), Labcorp); PubMed 17431882 (cited by Labcorp Genetics (formerly Invitae), Labcorp and Inherited Neuropathy Consortium).

NM_002180.3(IGHMBP2):c.163C>T (p.Gln55Ter)

Gene: IGHMBP2 (immunoglobulin mu DNA binding protein 2; plus strand). Cytogenetic location: 11q13.3.
Variant type: single nucleotide variant.
Coding change: c.163C>T on transcript NM_002180.3 (MANE Select); coding-DNA position 163, C replaced by T.
Protein change: p.Gln55Ter; replaces glutamine 55 with a stop codon.
Molecular consequence: nonsense.
Genome position (GRCh38, 1-based): chr11:68,906,145, C>T. VCF-style: chr11-68906145-C-T. GRCh37 (hg19) VCF-style: chr11-68673613-C-T.
Other names: short protein forms Q55*.
Identifiers: ClinVar variation 637906 (VCV000637906.9), dbSNP rs1479493690, ClinGen allele CA381642356.
Genomic context (GRCh38, chr11:68,906,145, plus strand): 5'-ATCTCTCTGAAAGAGCTCCAGAGCCGAGGCGTGTGTTTGCTGAAGCTGCAGGTATCCAGC[C>T]AGCGCACTGGGCTGTACGGACGGCTGCTGGTCACCTTTGAGCCCAGGCGATACGGGTCCG-3'